The following is an entry in ClinVar:

ClinVar aggregate classification (germline): Uncertain significance (1 of 4 stars; one submission).

Submission:

Labcorp Genetics (formerly Invitae), Labcorp
Classification: Uncertain significance. Last evaluated: 2025-04-17. Review status: criteria provided, single submitter. Criteria: Invitae Variant Classification Sherloc (09022015). Collection method: clinical testing. Allele origin: germline.
Comment: This sequence change replaces arginine, which is basic and polar, with serine, which is neutral and polar, at codon 120 of the RGR protein (p.Arg120Ser). This variant is not present in population databases (gnomAD no frequency). This variant has not been reported in the literature in individuals affected with RGR-related conditions. Experimental studies and prediction algorithms are not available or were not evaluated, and the functional significance of this variant is currently unknown. In summary, the available evidence is currently insufficient to determine the role of this variant in disease. Therefore, it has been classified as a Variant of Uncertain Significance.

NM_001012720.2(RGR):c.358C>A (p.Arg120Ser)

Gene: RGR (retinal G protein coupled receptor; plus strand). Cytogenetic location: 10q23.1.
Variant type: single nucleotide variant.
Coding change: c.358C>A on transcript NM_001012720.2 (MANE Select); coding-DNA position 358, C replaced by A.
Protein change: p.Arg120Ser; replaces arginine 120 with serine.
Molecular consequence: missense variant.
Genome position (GRCh38, 1-based): chr10:84,249,043, C>A. VCF-style: chr10-84249043-C-A. GRCh37 (hg19) VCF-style: chr10-86008799-C-A.
Other names: c.358C>A, p.Arg120Ser (NM_001012722.2); c.370C>A, p.Arg124Ser (NM_002921.4); short protein forms R124S, R120S.
Identifiers: ClinVar variation 4737929 (VCV004737929.1).